The following is an entry in ClinVar:

ClinVar aggregate classification (germline): Uncertain significance (1 of 4 stars; one submission).

Conditions:
Hereditary cancer-predisposing syndrome. Also called: Hereditary neoplastic syndrome; Hereditary Cancer Syndrome; Neoplastic Syndromes, Hereditary; Tumor predisposition. Identifiers: Orphanet 140162, MedGen C0027672, MeSH D009386, MONDO:0015356.

Submission:

Ambry Genetics
Classification: Uncertain significance for Hereditary cancer-predisposing syndrome. Last evaluated: 2023-03-27. Review status: criteria provided, single submitter. Criteria: Ambry Variant Classification Scheme 2023. Collection method: clinical testing. Allele origin: germline.
Comment: The p.K460T variant (also known as c.1379A>C), located in coding exon 12 of the SUFU gene, results from an A to C substitution at nucleotide position 1379. The lysine at codon 460 is replaced by threonine, an amino acid with similar properties. This amino acid position is conserved. In addition, this alteration is predicted to be tolerated by in silico analysis. Since supporting evidence is limited at this time, the clinical significance of this alteration remains unclear.

NM_016169.4(SUFU):c.1379A>C (p.Lys460Thr)

Gene: SUFU (SUFU negative regulator of hedgehog signaling; plus strand). Cytogenetic location: 10q24.32.
Variant type: single nucleotide variant.
Coding change: c.1379A>C on transcript NM_016169.4 (MANE Select); coding-DNA position 1379, A replaced by C.
Protein change: p.Lys460Thr; replaces lysine 460 with threonine.
Molecular consequence: missense variant.
Genome position (GRCh38, 1-based): chr10:102,630,079, A>C. VCF-style: chr10-102630079-A-C. GRCh37 (hg19) VCF-style: chr10-104389836-A-C.
Other names: short protein forms K460T.
Identifiers: ClinVar variation 2566875 (VCV002566875.2), dbSNP rs778125780, ClinGen allele CA377920517.
Genomic context (GRCh38, chr10:102,630,079, plus strand): 5'-TTCTGCTAACCACTCACACTCCTGGTCTGTGCTTGCTCCCTCCACAGTTCAAACTTCCCA[A>C]AGAGTACAGCTGGCCTGAAAAGAAGCTGAAGGTCTCCATCCTGCCTGACGTGGTGTTCGA-3'
Protein context (NP_057253.2, residues 450-470): LTSPEEFKLP[Lys460Thr]EYSWPEKKLK